The following is an entry in ClinVar:

ClinVar aggregate classification (germline): Uncertain significance. Review status: criteria provided, multiple submitters, no conflicts (2 of 4 stars). 3 submissions from 3 submitters: Uncertain significance (3). Last evaluated 2022-07-12.

Conditions:
Inborn genetic diseases. Identifiers: MedGen C0950123, MeSH D030342.

Allele frequency attached by ClinVar (database versions not stated): gnomAD 0.00003 and 0.00004; TOPMed 0.00003; gnomAD exomes 0.00013; ExAC 0.00017.
gnomAD v4.1: 139 of 1,605,792 alleles (0.0087%); highest among the groups gnomAD compares: Middle Eastern, 0.46%; 2 homozygotes.

Submissions (3):

Labcorp Genetics (formerly Invitae), Labcorp
Classification: Uncertain significance. Last evaluated: 2022-07-12. Review status: criteria provided, single submitter. Criteria: Invitae Variant Classification Sherloc (09022015). Collection method: clinical testing. Allele origin: germline.
Comment: This sequence change replaces glycine, which is neutral and non-polar, with aspartic acid, which is acidic and polar, at codon 228 of the NPR3 protein (p.Gly228Asp). This variant is present in population databases (rs770169526, gnomAD 0.07%). This variant has not been reported in the literature in individuals affected with NPR3-related conditions. ClinVar contains an entry for this variant (Variation ID: 1387753). Algorithms developed to predict the effect of missense changes on protein structure and function output the following: SIFT: "Deleterious"; PolyPhen-2: "Benign"; Align-GVGD: "Class C0". The aspartic acid amino acid residue is found in multiple mammalian species, which suggests that this missense change does not adversely affect protein function. In summary, the available evidence is currently insufficient to determine the role of this variant in disease. Therefore, it has been classified as a Variant of Uncertain Significance.

Ambry Genetics
Classification: Uncertain significance for Inborn genetic diseases. Last evaluated: 2021-09-16. Review status: criteria provided, single submitter. Criteria: Ambry Variant Classification Scheme 2023. Collection method: clinical testing. Allele origin: germline.

Breakthrough Genomics
Classification: Uncertain significance. Review status: criteria provided, single submitter. Criteria: ACMG Guidelines, 2015. Collection method: not provided. Allele origin: germline. Inheritance: Autosomal recessive inheritance. Affected: yes.

NM_001204375.2(NPR3):c.683G>A (p.Gly228Asp)

Genes: NPR3 (natriuretic peptide receptor 3; plus strand), LOC123493284 (Sharpr-MPRA regulatory region 158; plus strand). Cytogenetic location: 5p13.3.
Variant type: single nucleotide variant.
Coding change: c.683G>A on transcript NM_001204375.2 (MANE Select); coding-DNA position 683, G replaced by A.
Protein change: p.Gly228Asp; replaces glycine 228 with aspartic acid.
Molecular consequence: missense variant. On other transcripts: intron variant (4).
Genome position (GRCh38, 1-based): chr5:32,712,459, G>A. VCF-style: chr5-32712459-G-A. GRCh37 (hg19) VCF-style: chr5-32712565-G-A.
Other names: c.683G>A, p.Gly228Asp (NM_000908.4); c.50-12239G>A (NM_001364458.2); c.121+1676G>A (NM_001363652.2, NM_001204376.2, NM_001364460.2); c.683G>A (NM_001204375.1); short protein forms G228D.
Identifiers: ClinVar variation 1387753 (VCV001387753.5), dbSNP rs770169526, ClinGen allele CA3222402.